The following is an entry in ClinVar:

NM_001379291.1(BRD4):c.2249C>T (p.Pro750Leu)

Gene: BRD4 (bromodomain containing 4; minus strand). Cytogenetic location: 19p13.12.
Variant type: single nucleotide variant.
Coding change: c.2249C>T on transcript NM_001379291.1 (MANE Select); coding-DNA position 2249, C replaced by T.
Protein change: p.Pro750Leu; replaces proline 750 with leucine.
Molecular consequence: missense variant.
Genome position (GRCh38, 1-based): chr19:15,244,563, G>A on the plus strand (C>T on the coding strand, the complement: BRD4 is on the minus strand). VCF-style: chr19-15244563-G-A. GRCh37 (hg19) VCF-style: chr19-15355374-G-A.
Other names: c.2249C>T, p.Pro750Leu (NM_058243.3); short protein forms P750L.
Identifiers: ClinVar variation 4736755 (VCV004736755.1).
Genomic context (GRCh38, chr19:15,244,563, plus strand): 5'-GGAGGTGGAGGCGGTGGGGGCTGCTGGGGAGGCGGGGGCGGCTGCTGGGGCACAGGAGCC[G>A]GGGCCTGCTGCATCTGCTGATGGTGGTGATGATGGTGCTGCAGACAGAGAGACAGACAGA-3'
Protein context (NP_001366220.1, residues 740-760): HHHHQQMQQA[Pro750Leu]APVPQQPPPP

ClinVar aggregate classification (germline): Uncertain significance (1 of 4 stars; one submission).

gnomAD v4.1: 46 of 1,604,448 alleles (0.0029%); highest among the groups gnomAD compares: South Asian, 0.0055%; no homozygotes.

Submission:

Labcorp Genetics (formerly Invitae), Labcorp
Classification: Uncertain significance. Last evaluated: 2025-03-01. Review status: criteria provided, single submitter. Criteria: Invitae Variant Classification Sherloc (09022015). Collection method: clinical testing. Allele origin: germline.
Comment: This sequence change replaces proline, which is neutral and non-polar, with leucine, which is neutral and non-polar, at codon 750 of the BRD4 protein (p.Pro750Leu). This variant is present in population databases (rs781044333, gnomAD 0.003%). This variant has not been reported in the literature in individuals affected with BRD4-related conditions. An algorithm developed to predict the effect of missense changes on protein structure and function (PolyPhen-2) suggests that this variant is likely to be disruptive. In summary, the available evidence is currently insufficient to determine the role of this variant in disease. Therefore, it has been classified as a Variant of Uncertain Significance.